The following is an entry in ClinVar:

ClinVar aggregate classification (germline): Uncertain significance (1 of 4 stars; one submission).

Conditions:
Kabuki syndrome. Also called: NIIKAWA-KUROKI SYNDROME; Kabuki make-up syndrome. Identifiers: Orphanet 2322, MedGen C0796004, MONDO:0016512.

gnomAD v4.1: 2 of 1,613,882 alleles (0.00012%); highest among the groups gnomAD compares: African/African-American, 0.0027%; no homozygotes.

Submission:

Labcorp Genetics (formerly Invitae), Labcorp
Classification: Uncertain significance for Kabuki syndrome. Last evaluated: 2025-07-23. Review status: criteria provided, single submitter. Criteria: Invitae Variant Classification Sherloc (09022015). Collection method: clinical testing. Allele origin: germline.
Comment: This sequence change falls in intron 23 of the KMT2D gene. It does not directly change the encoded amino acid sequence of the KMT2D protein. It affects a nucleotide within the consensus splice site. This variant is not present in population databases (gnomAD no frequency). This variant has not been reported in the literature in individuals affected with KMT2D-related conditions. Variants that disrupt the consensus splice site are a relatively common cause of aberrant splicing (PMID: 17576681, 9536098). Algorithms developed to predict the effect of sequence changes on RNA splicing suggest that this variant is not likely to affect RNA splicing. In summary, the available evidence is currently insufficient to determine the role of this variant in disease. Therefore, it has been classified as a Variant of Uncertain Significance.

Literature cited by the submitters: PubMed 17576681; PubMed 9536098.

NM_003482.4(KMT2D):c.5468-3T>C

Gene: KMT2D (lysine methyltransferase 2D; minus strand). Cytogenetic location: 12q13.12.
Variant type: single nucleotide variant.
Coding change: c.5468-3T>C on transcript NM_003482.4 (MANE Select); 3 bases into the intron before coding-DNA position 5468, T replaced by C.
Molecular consequence: intron variant.
Genome position (GRCh38, 1-based): chr12:49,043,431, A>G on the plus strand (T>C on the coding strand, the complement: KMT2D is on the minus strand). VCF-style: chr12-49043431-A-G. GRCh37 (hg19) VCF-style: chr12-49437214-A-G.
Identifiers: ClinVar variation 4705680 (VCV004705680.1).
Genomic context (GRCh38, chr12:49,043,431, plus strand): 5'-TCGGCTTTGCCCTCGAGGCCACGGGATTCTTCATCTGCAATATCTGGACCATCATCTCCT[A>G]TGAGCAAGAGTCCCCCCTCCAATCAGAGATGTCCTACATCTGATGCCCAGAACAGGTCTC-3'